The following is an entry in ClinVar:

NM_018060.4(IARS2):c.343CCT[1] (p.Pro116del)

Gene: IARS2 (isoleucyl-tRNA synthetase 2, mitochondrial; plus strand). Cytogenetic location: 1q41.
Variant type: Microsatellite.
Coding change: c.343CCT[1] on transcript NM_018060.4 (MANE Select); one copy of the 3-base unit CCT starting at c.343; the reference has two copies in a row; one copy, 3 bases deleted.
Protein change: p.Pro116del; deletes proline 116.
Molecular consequence: inframe deletion.
Genome position (GRCh38, 1-based): chr1:220,096,182-220,096,184, CCT deleted; deleting any 3 consecutive bases within chr1:220,096,179-220,096,184 gives the same sequence; the position shown is the placement nearest the transcript's 3' end. VCF-style (leftmost placement, unchanged base first): chr1-220096178-ACCT-A. GRCh37 (hg19) VCF-style: chr1-220269520-ACCT-A.
Other names: short protein forms P116del.
Identifiers: ClinVar variation 4685163 (VCV004685163.1).

ClinVar aggregate classification (germline): Uncertain significance (1 of 4 stars; one submission).

Submission:

GeneDx
Classification: Uncertain significance. Last evaluated: 2025-07-02. Review status: criteria provided, single submitter. Criteria: GeneDx Variant Classification Process June 2021. Collection method: clinical testing. Allele origin: germline. Affected: yes.
Comment: Not observed at significant frequency in large population cohorts (gnomAD); In-frame deletion of 1 amino acid in a non-repeat region; In silico analysis supports a deleterious effect on protein structure/function; Has not been previously published as pathogenic or benign to our knowledge